The following is an entry in ClinVar:

NM_007194.4(CHEK2):c.1096-1G>A

Gene: CHEK2 (checkpoint kinase 2; minus strand). Cytogenetic location: 22q12.1.
Variant type: single nucleotide variant.
Coding change: c.1096-1G>A on transcript NM_007194.4 (MANE Select); the canonical splice acceptor site of the intron before coding-DNA position 1096, G replaced by A.
Molecular consequence: splice acceptor variant.
Genome position (GRCh38, 1-based): chr22:28,695,874, C>T on the plus strand (G>A on the coding strand, the complement: CHEK2 is on the minus strand). VCF-style: chr22-28695874-C-T. GRCh37 (hg19) VCF-style: chr22-29091862-C-T.
Other names: c.433-1G>A (NM_001437942.1, NM_001257387.3); c.895-1G>A (NM_001349956.3); c.1009-1G>A (NM_145862.3); c.1102-1G>A (NM_001438295.1); c.1189-1G>A (NM_001438293.1); c.1138-1G>A (NM_001438294.1); c.1225-1G>A (NM_001005735.3).
Identifiers: ClinVar variation 410056 (VCV000410056.26), dbSNP rs1060502716, ClinGen allele CA16616582.
Genomic context (GRCh38, chr22:28,695,874, plus strand): 5'-ACATAAGGTTCTCATGAGAGAGGTCTCTCCCAAAATCTTGGAGTGCCCAAAATCAGTAAT[C>T]TAAAATTCAGTACAAAAGGGAATAATGTTGAACTTGCCATAAAATAAAAAGATTAACATA-3'

ClinVar aggregate classification (germline): Pathogenic/Likely pathogenic. Review status: criteria provided, multiple submitters, no conflicts (2 of 4 stars). 5 submissions from 5 submitters: Pathogenic (2); Likely pathogenic (3). Last evaluated 2025-11-14.

Conditions:
Hereditary cancer-predisposing syndrome. Also called: Neoplastic Syndromes, Hereditary; Hereditary Cancer Syndrome; Hereditary neoplastic syndrome; Tumor predisposition. Identifiers: Orphanet 140162, MedGen C0027672, MeSH D009386, MONDO:0015356.
Familial cancer of breast. Also called: hereditary breast carcinoma; BREAST CANCER, FAMILIAL; Hereditary breast cancer. Identifiers: Orphanet 227535, MedGen C0346153, MONDO:0016419, OMIM 114480. Disease mechanism: loss of function.

Submissions (6):

Labcorp Genetics (formerly Invitae), Labcorp
Classification: Likely pathogenic for Familial cancer of breast. Last evaluated: 2025-11-14. Review status: criteria provided, single submitter. Criteria: Invitae Variant Classification Sherloc (09022015). Collection method: clinical testing. Allele origin: germline.
Comment: This sequence change affects an acceptor splice site in intron 10 of the CHEK2 gene. It is expected to disrupt RNA splicing. Variants that disrupt the donor or acceptor splice site typically lead to a loss of protein function (PMID: 16199547), and loss-of-function variants in CHEK2 are known to be pathogenic (PMID: 21876083, 24713400). This variant is not present in population databases (gnomAD no frequency). This variant has not been reported in the literature in individuals affected with CHEK2-related conditions. ClinVar contains an entry for this variant (Variation ID: 410056). Algorithms developed to predict the effect of sequence changes on RNA splicing suggest that this variant may disrupt the consensus splice site. In summary, the currently available evidence indicates that the variant is pathogenic, but additional data are needed to prove that conclusively. Therefore, this variant has been classified as Likely Pathogenic.

Ambry Genetics
Classification: Likely pathogenic for Hereditary cancer-predisposing syndrome. Last evaluated: 2025-09-30. Review status: criteria provided, single submitter. Criteria: Ambry Variant Classification Scheme 2023. Collection method: clinical testing. Allele origin: germline.
Comment: The c.1096-1G>A intronic variant results from a G to A substitution one nucleotide upstream from coding exon 10 of the CHEK2 gene. This nucleotide position is highly conserved in available vertebrate species. In silico splice site analysis predicts that this alteration will weaken the native splice acceptor site. Alterations that disrupt the canonical splice site are expected to cause aberrant splicing, resulting in an abnormal protein or a transcript that is subject to nonsense-mediated mRNA decay. As such, this alteration is classified as likely pathogenic.

Clinical Genetics Laboratory, Skane University Hospital Lund
Classification: Pathogenic. Last evaluated: 2023-10-13. Review status: criteria provided, single submitter. Criteria: ACMG Guidelines, 2015. Collection method: clinical testing. Allele origin: germline. Affected: yes.

Myriad Genetics, Inc.
Classification: Likely pathogenic for Familial cancer of breast. Last evaluated: 2023-06-27. Review status: criteria provided, single submitter. Criteria: Myriad Autosomal Dominant, Autosomal Recessive and X-Linked Classification Criteria (2023). Collection method: clinical testing. Allele origin: unknown.
Comment: This variant is considered likely pathogenic. This variant occurs within a consensus splice junction and is predicted to result in abnormal mRNA splicing of either an out-of-frame exon or an in-frame exon necessary for protein stability and/or normal function.

Revvity Omics, Revvity
Classification: Pathogenic. Last evaluated: 2019-05-29. Review status: criteria provided, single submitter. Criteria: ACMG Guidelines, 2015. Collection method: clinical testing. Allele origin: germline.

Dr. Peter K. Rogan Lab, Western University
No classification provided (evidence only). Condition: Gastric cancer. Review status: no classification provided. Collection method: in vitro. Allele origin: not applicable. Functional consequence: retained intron. Not counted in ClinVar's aggregate classification.

Literature cited by the submitters: PubMed 16199547 (cited by Labcorp Genetics (formerly Invitae), Labcorp); PubMed 21876083 (cited by Labcorp Genetics (formerly Invitae), Labcorp); PubMed 24713400 (cited by Labcorp Genetics (formerly Invitae), Labcorp).